The following is an entry in ClinVar:

NM_001267550.2(TTN):c.85470A>G (p.Lys28490=)

Genes: TTN (titin; minus strand), TTN-AS1 (TTN antisense RNA 1; plus strand). Cytogenetic location: 2q31.2.
Variant type: single nucleotide variant.
Coding change: c.85470A>G on transcript NM_001267550.2 (MANE Select); coding-DNA position 85470, A replaced by G.
Protein change: p.Lys28490=; no amino-acid change (lysine 28490 retained).
Molecular consequence: synonymous variant.
Genome position (GRCh38, 1-based): chr2:178,560,662, T>C on the plus strand (A>G on the coding strand, the complement: TTN is on the minus strand). VCF-style: chr2-178560662-T-C. GRCh37 (hg19) VCF-style: chr2-179425389-T-C.
Other names: c.80547A>G, p.Lys26849= (NM_001256850.1); c.58275A>G, p.Lys19425= (NM_003319.4); c.77766A>G, p.Lys25922= (NM_133378.4); c.58650A>G, p.Lys19550= (NM_133432.3); c.58851A>G, p.Lys19617= (NM_133437.4).
Identifiers: ClinVar variation 5037861 (VCV005037861.1).
Genomic context (GRCh38, chr2:178,560,662, plus strand): 5'-ACAGGATGTCATCTGTAACTCTCCTTCACATATTGTCCATGCAAGGTGGCTTGTTTCACG[T>C]TTTTCTACGATGTAATAGTCGATATCTGCACCACCATCTTCTTGGGGACGTCCCCAGGAA-3'
Protein context (NP_001254479.2, residues 28480-28500): GADIDYYIVE[Lys28490=]RETSHLAWTI

ClinVar aggregate classification (germline): Likely benign (1 of 4 stars; one submission).

Submission:

Molecular Diagnostic Laboratory for Inherited Cardiovascular Disease, Montreal Heart Institute
Classification: Likely benign. Last evaluated: 2026-09-21. Review status: criteria provided, single submitter. Criteria: ACMG Guidelines, 2015. Collection method: clinical testing. Allele origin: germline. Affected: no.
Comment: BP7